The following is an entry in ClinVar:

NM_001009944.3(PKD1):c.7455C>T (p.His2485=)

Gene: PKD1 (polycystin 1, transient receptor potential channel interacting; minus strand). Cytogenetic location: 16p13.3.
Variant type: single nucleotide variant.
Coding change: c.7455C>T on transcript NM_001009944.3 (MANE Select); coding-DNA position 7455, C replaced by T.
Protein change: p.His2485=; no amino-acid change (histidine 2485 retained).
Molecular consequence: synonymous variant.
Genome position (GRCh38, 1-based): chr16:2,106,432, G>A on the plus strand (C>T on the coding strand, the complement: PKD1 is on the minus strand). VCF-style: chr16-2106432-G-A. GRCh37 (hg19) VCF-style: chr16-2156433-G-A.
Other names: c.7455C>T, p.His2485= (NM_000296.4).
Identifiers: ClinVar variation 3032567 (VCV003032567.2), dbSNP rs778034654, ClinGen allele CA7831127.

ClinVar aggregate classification (germline): Likely benign (0 of 4 stars; one submission).

Conditions:
PKD1-related disorder. Also called: PKD1-related condition.

Allele frequency attached by ClinVar (database versions not stated): gnomAD 0.00001; TOPMed 0.00002; gnomAD exomes 0.00003; ExAC 0.00006.
gnomAD v4.1: 48 of 1,589,318 alleles (0.003%); highest among the groups gnomAD compares: South Asian, 0.0067%; no homozygotes.

Submission:

PreventionGenetics, part of Exact Sciences
Classification: Likely benign for PKD1-related condition. Last evaluated: 2023-08-05. Review status: no assertion criteria provided. Collection method: clinical testing. Allele origin: germline.
Comment: This variant is classified as likely benign based on ACMG/AMP sequence variant interpretation guidelines (Richards et al. 2015 PMID: 25741868, with internal and published modifications).